The following is an entry in ClinVar:

NM_001276270.2(MBD4):c.1271C>T (p.Pro424Leu)

Gene: MBD4 (methyl-CpG binding domain 4, DNA glycosylase; minus strand). Cytogenetic location: 3q21.3.
Variant type: single nucleotide variant.
Coding change: c.1271C>T on transcript NM_001276270.2 (MANE Select); coding-DNA position 1271, C replaced by T.
Protein change: p.Pro424Leu; replaces proline 424 with leucine.
Molecular consequence: missense variant.
Genome position (GRCh38, 1-based): chr3:129,433,972, G>A on the plus strand (C>T on the coding strand, the complement: MBD4 is on the minus strand). VCF-style: chr3-129433972-G-A. GRCh37 (hg19) VCF-style: chr3-129152815-G-A.
Other names: c.1289C>T, p.Pro430Leu (NM_001276271.2, NM_001276272.2, NM_003925.3); c.335C>T, p.Pro112Leu (NM_001276273.2); short protein forms P112L, P424L, P430L.
Identifiers: ClinVar variation 4732649 (VCV004732649.1).

ClinVar aggregate classification (germline): Uncertain significance (1 of 4 stars; one submission).

Submission:

Labcorp Genetics (formerly Invitae), Labcorp
Classification: Uncertain significance. Last evaluated: 2025-12-06. Review status: criteria provided, single submitter. Criteria: Invitae Variant Classification Sherloc (09022015). Collection method: clinical testing. Allele origin: germline.
Comment: This sequence change replaces proline, which is neutral and non-polar, with leucine, which is neutral and non-polar, at codon 430 of the MBD4 protein (p.Pro430Leu). This variant is present in population databases (rs772947874, gnomAD 0.0009%). This variant has not been reported in the literature in individuals affected with MBD4-related conditions. An algorithm developed to predict the effect of missense changes on protein structure and function (PolyPhen-2) suggests that this variant is likely to be disruptive. In summary, the available evidence is currently insufficient to determine the role of this variant in disease. Therefore, it has been classified as a Variant of Uncertain Significance.